The following is an entry in ClinVar:

NM_024854.5(PYROXD1):c.1178C>T (p.Ala393Val)

Gene: PYROXD1 (pyridine nucleotide-disulphide oxidoreductase domain 1; plus strand). Cytogenetic location: 12p12.1.
Variant type: single nucleotide variant.
Coding change: c.1178C>T on transcript NM_024854.5 (MANE Select); coding-DNA position 1178, C replaced by T.
Protein change: p.Ala393Val; replaces alanine 393 with valine.
Molecular consequence: missense variant.
Genome position (GRCh38, 1-based): chr12:21,467,542, C>T. VCF-style: chr12-21467542-C-T. GRCh37 (hg19) VCF-style: chr12-21620476-C-T.
Other names: c.965C>T, p.Ala322Val (NM_001350912.2); c.401C>T, p.Ala134Val (NM_001350913.2); c.1178C>T (NM_024854.3); short protein forms A134V, A393V, A322V.
Identifiers: ClinVar variation 1898210 (VCV001898210.4), dbSNP rs568225764, ClinGen allele CA6478484.

ClinVar aggregate classification (germline): Uncertain significance. Review status: criteria provided, multiple submitters, no conflicts (2 of 4 stars). 2 submissions from 2 submitters: Uncertain significance (2). Last evaluated 2023-03-13.

Conditions:
Inborn genetic diseases. Identifiers: MedGen C0950123, MeSH D030342.

Allele frequency attached by ClinVar (database versions not stated): gnomAD 0.00001; gnomAD exomes 0.00001; ExAC 0.00002; TOPMed 0.00002; 1000 Genomes Project 30x 0.00016; 1000 Genomes Project 0.00020.
gnomAD v4.1: 14 of 1,610,640 alleles (0.00087%); highest among the groups gnomAD compares: South Asian, 0.0044%; no homozygotes.

Submissions (2):

Ambry Genetics
Classification: Uncertain significance for Inborn genetic diseases. Last evaluated: 2023-03-13. Review status: criteria provided, single submitter. Criteria: Ambry Variant Classification Scheme 2023. Collection method: clinical testing. Allele origin: germline.

Labcorp Genetics (formerly Invitae), Labcorp
Classification: Uncertain significance. Last evaluated: 2022-03-01. Review status: criteria provided, single submitter. Criteria: Invitae Variant Classification Sherloc (09022015). Collection method: clinical testing. Allele origin: germline.
Comment: This sequence change replaces alanine, which is neutral and non-polar, with valine, which is neutral and non-polar, at codon 393 of the PYROXD1 protein (p.Ala393Val). This variant is present in population databases (rs568225764, gnomAD 0.007%). This variant has not been reported in the literature in individuals affected with PYROXD1-related conditions. Algorithms developed to predict the effect of missense changes on protein structure and function (SIFT, PolyPhen-2, Align-GVGD) all suggest that this variant is likely to be tolerated. Algorithms developed to predict the effect of sequence changes on RNA splicing suggest that this variant may create or strengthen a splice site. In summary, the available evidence is currently insufficient to determine the role of this variant in disease. Therefore, it has been classified as a Variant of Uncertain Significance.